The following is an entry in ClinVar:

ClinVar aggregate classification (germline): Conflicting classifications of pathogenicity. Review status: criteria provided, conflicting classifications (1 of 4 stars). 16 submissions from 16 submitters: Uncertain significance (1); Benign (4); Likely benign (8). 3 of the submissions do not count toward it. Last evaluated 2026-09-01.

Conditions:
Distal myopathy with posterior leg and anterior hand involvement. Also called: WILLIAMS DISTAL MYOPATHY. Identifiers: Orphanet 63273, MedGen C3279722, MONDO:0013550, OMIM 614065.
Hypertrophic cardiomyopathy 26. Also called: Cardiomyopathy, familial hypertrophic, 26. Identifiers: Orphanet 75249, MedGen C4310749, MONDO:0014883, OMIM 617047.
Myofibrillar myopathy 5. Also called: Filaminopathy (type); FILAMINOPATHY, AUTOSOMAL DOMINANT. Identifiers: Orphanet 171445, MedGen C1836050, MONDO:0012289, OMIM 609524.
FLNC-related disorder. Also called: FLNC-related condition; FLNC-related disorders.
Cardiovascular phenotype. Identifiers: MedGen CN230736.
Cardiomyopathy (CMYO). Also called: Cardiomyopathies. Identifiers: Orphanet 167848, MedGen C0878544, MONDO:0004994, HP:0001638. Inheritance: Various modes of inheritance.

Allele frequency attached by ClinVar (database versions not stated): 1000 Genomes Project 0.00020; 1000 Genomes Project 30x 0.00031; TOPMed 0.00059; gnomAD 0.00079 and 0.00086; gnomAD exomes 0.00079 and 0.00086; ExAC 0.00081; ESP Exome Variant Server 0.00086.
gnomAD v4.1: 1,358 of 1,614,218 alleles (0.084%); highest among the groups gnomAD compares: Non-Finnish European, 0.099%; 3 homozygotes.

Submissions (17):

CeGaT Center for Human Genetics Tuebingen
Classification: Likely benign. Last evaluated: 2026-09-01. Review status: criteria provided, single submitter. Criteria: CeGaT Center For Human Genetics Tuebingen Variant Classification Criteria Version 2. Collection method: clinical testing. Allele origin: germline. Affected: yes. Observed: 18 variant alleles.
Comment: FLNC: BS1

Labcorp Genetics (formerly Invitae), Labcorp
Classification: Likely benign for Distal myopathy with posterior leg and anterior hand involvement; Myofibrillar myopathy 5; Hypertrophic cardiomyopathy 26. Last evaluated: 2026-01-28. Review status: criteria provided, single submitter. Criteria: Invitae Variant Classification Sherloc (09022015). Collection method: clinical testing. Allele origin: germline.

Mayo Clinic Laboratories, Mayo Clinic
Classification: Benign. Last evaluated: 2025-10-10. Review status: criteria provided, single submitter. Criteria: ACMG Guidelines, 2015. Collection method: clinical testing. Allele origin: germline. Observed: 3 variant alleles.
Comment: BS1, BS2, BP4

Athena Diagnostics
Classification: Benign. Last evaluated: 2025-06-02. Review status: criteria provided, single submitter. Criteria: Athena Diagnostics Criteria. Collection method: clinical testing. Allele origin: unknown.
Comment: The frequency of this variant in the general population is higher than would generally be expected for pathogenic variants in this gene.

Molecular Diagnostic Laboratory for Inherited Cardiovascular Disease, Montreal Heart Institute
Classification: Likely benign. Last evaluated: 2025-04-09. Review status: criteria provided, single submitter. Criteria: ACMG Guidelines, 2015. Collection method: clinical testing. Allele origin: germline. Affected: no.

Blueprint Genetics
Classification: Likely benign. Last evaluated: 2024-11-26. Review status: criteria provided, single submitter. Criteria: ACMG Guidelines, 2015. Collection method: clinical testing. Allele origin: germline.

Women's Health and Genetics/Laboratory Corporation of America, LabCorp
Classification: Likely benign. Last evaluated: 2024-11-19. Review status: criteria provided, single submitter. Criteria: LabCorp Variant Classification Summary - May 2015. Collection method: clinical testing. Allele origin: germline.

CHEO Genetics Diagnostic Laboratory, Children's Hospital of Eastern Ontario
Classification: Benign for Cardiomyopathy. Last evaluated: 2023-05-16. Review status: criteria provided, single submitter. Criteria: ACMG Guidelines, 2015. Collection method: clinical testing. Allele origin: germline.

Department of Pathology and Laboratory Medicine, Sinai Health System
Classification: Likely benign for Myofibrillar myopathy 5; Distal myopathy with posterior leg and anterior hand involvement; Hypertrophic cardiomyopathy 26. Last evaluated: 2021-07-30. Review status: criteria provided, single submitter. Criteria: ACMG Guidelines, 2015. Collection method: research. Allele origin: germline.

GeneDx
Classification: Benign. Last evaluated: 2019-10-16. Review status: criteria provided, single submitter. Criteria: GeneDx Variant Classification Process June 2021. Collection method: clinical testing. Allele origin: germline. Affected: yes.
Comment: This variant is associated with the following publications: (PMID: 27296017, 28008999)

Ambry Genetics
Classification: Likely benign for Cardiovascular phenotype. Last evaluated: 2019-01-25. Review status: criteria provided, single submitter. Criteria: Ambry Variant Classification Scheme 2023. Collection method: clinical testing. Allele origin: germline.

Genetic Services Laboratory, University of Chicago
Classification: Likely benign. Last evaluated: 2017-11-03. Review status: criteria provided, single submitter. Criteria: ACMG Guidelines, 2015. Collection method: clinical testing. Allele origin: germline. Affected: no.

Eurofins Ntd Llc (ga)
Classification: Uncertain significance. Last evaluated: 2017-03-07. Review status: criteria provided, single submitter. Criteria: EGL Classification Definitions 2015. Collection method: clinical testing. Allele origin: germline. Observed: 2 variant alleles, 2 heterozygotes.

PreventionGenetics, part of Exact Sciences
Classification: Likely benign for FLNC-related condition. Last evaluated: 2021-02-11. Review status: no assertion criteria provided. Collection method: clinical testing. Allele origin: germline. Not counted in ClinVar's aggregate classification.
Comment: This variant is classified as likely benign based on ACMG/AMP sequence variant interpretation guidelines (Richards et al. 2015 PMID: 25741868, with internal and published modifications).

Clinical Genetics DNA and cytogenetics Diagnostics Lab, Erasmus MC, Erasmus Medical Center
Classification: Likely benign. Review status: no assertion criteria provided. Collection method: clinical testing. Allele origin: germline. Affected: yes. Study: VKGL Data-share Consensus. Not counted in ClinVar's aggregate classification.

Dr. Peter K. Rogan Lab, Western University
No classification provided (evidence only). Condition: Cervical cancer. Review status: no classification provided. Collection method: in vitro. Allele origin: not applicable. Functional consequence: retained intron. Not counted in ClinVar's aggregate classification.

Genome Diagnostics Laboratory, University Medical Center Utrecht
Classification: Likely benign. Review status: no assertion criteria provided. Collection method: clinical testing. Allele origin: germline. Affected: yes. Study: VKGL Data-share Consensus. Not counted in ClinVar's aggregate classification.

Literature cited by the submitters: PubMed 27296017 (cited by Mayo Clinic Laboratories, Mayo Clinic and Athena Diagnostics).

NM_001458.5(FLNC):c.1600G>A (p.Glu534Lys)

Gene: FLNC (filamin C; plus strand). Cytogenetic location: 7q32.1.
Variant type: single nucleotide variant.
Coding change: c.1600G>A on transcript NM_001458.5 (MANE Select); coding-DNA position 1600, G replaced by A.
Protein change: p.Glu534Lys; replaces glutamic acid 534 with lysine.
Molecular consequence: missense variant.
Genome position (GRCh38, 1-based): chr7:128,840,598, G>A. VCF-style: chr7-128840598-G-A. GRCh37 (hg19) VCF-style: chr7-128480652-G-A.
Other names: p.Glu534Lys; c.1600G>A, p.Glu534Lys (NM_001127487.2); short protein forms E534K.
Identifiers: ClinVar variation 193631 (VCV000193631.69), dbSNP rs201905890, ClinGen allele CA239199.